The following is an entry in ClinVar:

ClinVar aggregate classification (germline): Pathogenic (1 of 4 stars; one submission).

Conditions:
Cohen syndrome (COH1). Also called: PEPPER SYNDROME; Cutis verticis gyrata, retinitis pigmentosa, and sensorineural deafness. Identifiers: Orphanet 193, MedGen C0265223, MONDO:0008999, OMIM 216550.

Allele frequency attached by ClinVar (database versions not stated): TOPMed below 0.00001.

Submission:

Labcorp Genetics (formerly Invitae), Labcorp
Classification: Pathogenic for Cohen syndrome. Last evaluated: 2023-09-08. Review status: criteria provided, single submitter. Criteria: Invitae Variant Classification Sherloc (09022015). Collection method: clinical testing. Allele origin: germline.
Comment: For these reasons, this variant has been classified as Pathogenic. This variant has not been reported in the literature in individuals affected with VPS13B-related conditions. This variant is not present in population databases (gnomAD no frequency). This sequence change creates a premature translational stop signal (p.Ala1186*) in the VPS13B gene. It is expected to result in an absent or disrupted protein product. Loss-of-function variants in VPS13B are known to be pathogenic (PMID: 15141358, 16648375, 20461111).

Literature cited by the submitters: PubMed 15141358; PubMed 16648375; PubMed 20461111.

NM_152564.5(VPS13B):c.3554_3555dup (p.Ala1186Ter)

Gene: VPS13B (vacuolar protein sorting 13 homolog B; plus strand). Cytogenetic location: 8q22.2.
Variant type: Duplication.
Coding change: c.3554_3555dup on transcript NM_152564.5 (MANE Select); coding-DNA positions 3554 to 3555, 2 bases duplicated (TA; older notation c.3554_3555dupTA).
Protein change: p.Ala1186Ter; replaces alanine 1186 with a stop codon.
Molecular consequence: nonsense.
Genome position (GRCh38, 1-based): chr8:99,467,522-99,467,523, TA duplicated. VCF-style (leftmost placement, unchanged base first): chr8-99467521-C-CTA. GRCh37 (hg19) VCF-style: chr8-100479749-C-CTA.
Other names: c.3554_3555dup, p.Ala1186Ter (NM_017890.5); short protein forms A1186*.
Identifiers: ClinVar variation 2914372 (VCV002914372.3), dbSNP rs1819174200, ClinGen allele CA1805736798.